The following is an entry in ClinVar:

NM_001267550.2(TTN):c.40315G>T (p.Val13439Phe)

Gene: TTN (titin; minus strand). Cytogenetic location: 2q31.2.
Variant type: single nucleotide variant.
Coding change: c.40315G>T on transcript NM_001267550.2 (MANE Select); coding-DNA position 40315, G replaced by T.
Protein change: p.Val13439Phe; replaces valine 13439 with phenylalanine.
Molecular consequence: missense variant. On other transcripts: intron variant (3).
Genome position (GRCh38, 1-based): chr2:178,646,013, C>A on the plus strand (G>T on the coding strand, the complement: TTN is on the minus strand). VCF-style: chr2-178646013-C-A. GRCh37 (hg19) VCF-style: chr2-179510740-C-A.
Other names: c.35392G>T, p.Val11798Phe (NM_001256850.1); c.13283-3696G>T (NM_003319.4); c.13859-3696G>T (NM_133437.4); c.13658-3696G>T (NM_133432.3); c.32611G>T, p.Val10871Phe (NM_133378.4); short protein forms V13439F, V10871F, V11798F.
Identifiers: ClinVar variation 46933 (VCV000046933.5), dbSNP rs397517559, ClinGen allele CA139558.

ClinVar aggregate classification (germline): Uncertain significance (1 of 4 stars; one submission).

Submission:

Laboratory for Molecular Medicine, Mass General Brigham Personalized Medicine
Classification: Uncertain significance. Last evaluated: 2012-07-02. Review status: criteria provided, single submitter. Criteria: LMM Criteria. Collection method: clinical testing. Allele origin: germline. Observed: 1 variant allele.
Comment: The Val10871Phe variant in TTN has not been reported in the literature nor previ ously identified by our laboratory. This variant has not been identified in larg e and broad populations by the NHLBI Exome Sequencing Project. Computational analyses (conservation, AlignGVGD, and PolyPhen2 ) suggest that this variant may not impact the protein, though this information is not predictive enough to rule out pathogenicity. Additional information is ne eded to fully assess the clinical significance of the Val10871Phe variant.